The following is an entry in ClinVar:

NM_024678.6(NARS2):c.728G>A (p.Arg243Gln)

Gene: NARS2 (asparaginyl-tRNA synthetase 2, mitochondrial; minus strand). Cytogenetic location: 11q14.1.
Variant type: single nucleotide variant.
Coding change: c.728G>A on transcript NM_024678.6 (MANE Select); coding-DNA position 728, G replaced by A.
Protein change: p.Arg243Gln; replaces arginine 243 with glutamine.
Molecular consequence: missense variant.
Genome position (GRCh38, 1-based): chr11:78,493,157, C>T on the plus strand (G>A on the coding strand, the complement: NARS2 is on the minus strand). VCF-style: chr11-78493157-C-T. GRCh37 (hg19) VCF-style: chr11-78204203-C-T.
Other names: c.47G>A, p.Arg16Gln (NM_001243251.2); short protein forms R16Q, R243Q.
Identifiers: ClinVar variation 1700512 (VCV001700512.5), dbSNP rs199984779, ClinGen allele CA6205726.
Genomic context (GRCh38, chr11:78,493,157, plus strand): 5'-ATCTCTGCTTCTATCATATAAAACTCTGCCAGGTGCCTCCGGCTCTGAGAATTTTCAGCT[C>T]GGAAGGTCGGACCAAAGGTAAACACTTGAGTAAAAGCTCTGCAATTCAAGATTAAGAGAA-3'
Protein context (NP_078954.4, residues 233-253): TQVFTFGPTF[Arg243Gln]AENSQSRRHL

ClinVar aggregate classification (germline): Uncertain significance. Review status: criteria provided, multiple submitters, no conflicts (2 of 4 stars). 2 submissions from 2 submitters: Uncertain significance (2). Last evaluated 2022-08-04.

Conditions:
Inborn genetic diseases. Identifiers: MedGen C0950123, MeSH D030342.

Allele frequency attached by ClinVar (database versions not stated): ExAC 0.00005; ESP Exome Variant Server 0.00008.
gnomAD v4.1: 91 of 1,613,738 alleles (0.0056%); highest among the groups gnomAD compares: Non-Finnish European, 0.0062%; no homozygotes.

Submissions (2):

GeneDx
Classification: Uncertain significance. Last evaluated: 2022-08-04. Review status: criteria provided, single submitter. Criteria: GeneDx Variant Classification Process June 2021. Collection method: clinical testing. Allele origin: germline. Affected: yes.
Comment: Not observed at significant frequency in large population cohorts (gnomAD); In silico analysis supports that this missense variant has a deleterious effect on protein structure/function; Has not been previously published as pathogenic or benign to our knowledge

Ambry Genetics
Classification: Uncertain significance for Inborn genetic diseases. Last evaluated: 2021-02-24. Review status: criteria provided, single submitter. Criteria: Ambry Variant Classification Scheme 2023. Collection method: clinical testing. Allele origin: germline.
Comment: The c.728G>A (p.R243Q) alteration is located in exon 7 (coding exon 7) of the NARS2 gene. This alteration results from a G to A substitution at nucleotide position 728, causing the arginine (R) at amino acid position 243 to be replaced by a glutamine (Q). The p.R243Q alteration is predicted to be deleterious by in silico analysis. Based on insufficient or conflicting evidence, the clinical significance of this alteration remains unclear.